The following is an entry in ClinVar:

ClinVar aggregate classification (germline): Uncertain significance. Review status: criteria provided, multiple submitters, no conflicts (2 of 4 stars). 2 submissions from 2 submitters: Uncertain significance (2). Last evaluated 2019-03-06.

Conditions:
Hereditary breast ovarian cancer syndrome. Also called: BRCA1- and BRCA2-Associated Hereditary Breast and Ovarian Cancer; Hereditary breast and ovarian cancer syndrome; Hereditary breast and ovarian cancer; Hereditary breast and ovarian cancer syndrome (HBOC); Hereditary breast and/or ovarian cancer syndrome; Breast and ovarian cancer. Identifiers: Orphanet 145, MedGen C0677776, MeSH D061325, MONDO:0003582. Disease mechanism: loss of function.

Submissions (2):

Labcorp Genetics (formerly Invitae), Labcorp
Classification: Uncertain significance for Hereditary breast ovarian cancer syndrome. Last evaluated: 2019-03-06. Review status: criteria provided, single submitter. Criteria: Invitae Variant Classification Sherloc (09022015). Collection method: clinical testing. Allele origin: germline.
Comment: In summary, the available evidence is currently insufficient to determine the role of this variant in disease. Therefore, it has been classified as a Variant of Uncertain Significance. Nucleotide substitutions within the consensus splice site are a relatively common cause of aberrant splicing (PMID: 17576681, 9536098). Algorithms developed to predict the effect of sequence changes on RNA splicing suggest that this variant is not likely to affect RNA splicing, but this prediction has not been confirmed by published transcriptional studies. This variant has not been reported in the literature in individuals with BRCA2-related conditions. This variant is not present in population databases (ExAC no frequency). This sequence change falls in intron 24 of the BRCA2 gene. It does not directly change the encoded amino acid sequence of the BRCA2 protein, but it affects a nucleotide within the consensus splice site of the intron.

Quest Diagnostics Nichols Institute San Juan Capistrano
Classification: Uncertain significance. Last evaluated: 2018-04-23. Review status: criteria provided, single submitter. Criteria: Quest Diagnostics criteria. Collection method: clinical testing. Allele origin: germline.

Literature cited by the submitters: PubMed 17576681 (cited by Labcorp Genetics (formerly Invitae), Labcorp); PubMed 9536098 (cited by Labcorp Genetics (formerly Invitae), Labcorp).

NM_000059.4(BRCA2):c.9256+6G>T

Gene: BRCA2 (BRCA2 DNA repair associated; plus strand). Cytogenetic location: 13q13.1.
Variant type: single nucleotide variant.
Coding change: c.9256+6G>T on transcript NM_000059.4 (MANE Select); 6 bases into the intron after coding-DNA position 9256, G replaced by T.
Molecular consequence: intron variant.
Genome position (GRCh38, 1-based): chr13:32,380,151, G>T. VCF-style: chr13-32380151-G-T. GRCh37 (hg19) VCF-style: chr13-32954288-G-T.
Identifiers: ClinVar variation 619822 (VCV000619822.12), dbSNP rs1566253716, ClinGen allele CA913190734.